The following is an entry in ClinVar:

ClinVar aggregate classification (germline): Uncertain significance. Review status: criteria provided, multiple submitters, no conflicts (2 of 4 stars). 2 submissions from 2 submitters: Uncertain significance (2). Last evaluated 2025-11-26.

Conditions:
Rubinstein-Taybi syndrome (RSTS). Identifiers: Orphanet 783, MedGen C0035934, MONDO:0019188.

Submissions (2):

Labcorp Genetics (formerly Invitae), Labcorp
Classification: Uncertain significance for Rubinstein-Taybi syndrome. Last evaluated: 2025-11-26. Review status: criteria provided, single submitter. Criteria: Invitae Variant Classification Sherloc (09022015). Collection method: clinical testing. Allele origin: germline.
Comment: This sequence change replaces leucine, which is neutral and non-polar, with phenylalanine, which is neutral and non-polar, at codon 2035 of the CREBBP protein (p.Leu2035Phe). This variant is not present in population databases (gnomAD no frequency). This variant has not been reported in the literature in individuals affected with CREBBP-related conditions. ClinVar contains an entry for this variant (Variation ID: 4078419). Invitae Evidence Modeling of protein sequence and biophysical properties (such as structural, functional, and spatial information, amino acid conservation, physicochemical variation, residue mobility, and thermodynamic stability) indicates that this missense variant is not expected to disrupt CREBBP protein function with a negative predictive value of 95%. In summary, the available evidence is currently insufficient to determine the role of this variant in disease. Therefore, it has been classified as a Variant of Uncertain Significance.

Revvity Omics, Revvity
Classification: Uncertain significance. Last evaluated: 2024-01-24. Review status: criteria provided, single submitter. Criteria: ACMG Guidelines, 2015. Collection method: clinical testing. Allele origin: germline.

NM_004380.3(CREBBP):c.6105G>T (p.Leu2035Phe)

Gene: CREBBP (CREB binding lysine acetyltransferase; minus strand). Cytogenetic location: 16p13.3.
Variant type: single nucleotide variant.
Coding change: c.6105G>T on transcript NM_004380.3 (MANE Select); coding-DNA position 6105, G replaced by T.
Protein change: p.Leu2035Phe; replaces leucine 2035 with phenylalanine.
Molecular consequence: missense variant.
Genome position (GRCh38, 1-based): chr16:3,728,942, C>A on the plus strand (G>T on the coding strand, the complement: CREBBP is on the minus strand). VCF-style: chr16-3728942-C-A. GRCh37 (hg19) VCF-style: chr16-3778943-C-A.
Other names: c.5991G>T, p.Leu1997Phe (NM_001079846.1); short protein forms L1997F, L2035F.
Identifiers: ClinVar variation 4078419 (VCV004078419.2).